The following is an entry in ClinVar:

ClinVar aggregate classification (germline): Uncertain significance. Review status: criteria provided, multiple submitters, no conflicts (2 of 4 stars). 2 submissions from 2 submitters: Uncertain significance (2). Last evaluated 2025-11-10.

Conditions:
Granulomatous disease, chronic, autosomal recessive, cytochrome b-positive, type 3. Also called: GRANULOMATOUS DISEASE, CHRONIC, DUE TO NCF4 DEFICIENCY; Granulomatous disease, chronic, autosomal recessive, cytochrome b-positive, type III; GRANULOMATOUS DISEASE, CHRONIC, AUTOSOMAL RECESSIVE, 3; CGD, AUTOSOMAL RECESSIVE CYTOCHROME b-POSITIVE, TYPE III. Identifiers: Orphanet 379, MedGen C3151409, MONDO:0013507, OMIM 613960.

Allele frequency attached by ClinVar (database versions not stated): gnomAD 0.00001; gnomAD exomes 0.00001; TOPMed 0.00002; ExAC 0.00003.
gnomAD v4.1: 12 of 1,614,022 alleles (0.00074%); highest among the groups gnomAD compares: Admixed American, 0.0017%; no homozygotes.

Submissions (2):

Labcorp Genetics (formerly Invitae), Labcorp
Classification: Uncertain significance for Granulomatous disease, chronic, autosomal recessive, cytochrome b-positive, type 3. Last evaluated: 2025-11-10. Review status: criteria provided, single submitter. Criteria: Invitae Variant Classification Sherloc (09022015). Collection method: clinical testing. Allele origin: germline.
Comment: This sequence change replaces alanine, which is neutral and non-polar, with valine, which is neutral and non-polar, at codon 261 of the NCF4 protein (p.Ala261Val). This variant is present in population databases (rs749287293, gnomAD 0.003%). This variant has not been reported in the literature in individuals affected with NCF4-related conditions. ClinVar contains an entry for this variant (Variation ID: 1402276). An algorithm developed to predict the effect of missense changes on protein structure and function (PolyPhen-2) suggests that this variant is likely to be tolerated. Algorithms developed to predict the effect of sequence changes on RNA splicing suggest that this variant may create or strengthen a splice site. In summary, the available evidence is currently insufficient to determine the role of this variant in disease. Therefore, it has been classified as a Variant of Uncertain Significance.

Ambry Genetics
Classification: Uncertain significance. Last evaluated: 2024-12-10. Review status: criteria provided, single submitter. Criteria: Ambry Variant Classification Scheme 2023. Collection method: clinical testing. Allele origin: germline.

NM_000631.5(NCF4):c.758+24C>T

Gene: NCF4 (neutrophil cytosolic factor 4; plus strand). Cytogenetic location: 22q12.3.
Variant type: single nucleotide variant.
Coding change: c.758+24C>T on transcript NM_000631.5 (MANE Select); 24 bases into the intron after coding-DNA position 758, C replaced by T.
Molecular consequence: intron variant. On other transcripts: missense variant (1).
Genome position (GRCh38, 1-based): chr22:36,875,807, C>T. VCF-style: chr22-36875807-C-T. GRCh37 (hg19) VCF-style: chr22-37271849-C-T.
Other names: c.782C>T (NM_013416.3); c.782C>T, p.Ala261Val (NM_013416.4); short protein forms A261V.
Identifiers: ClinVar variation 1402276 (VCV001402276.6), dbSNP rs749287293, ClinGen allele CA10213160.